The following is an entry in ClinVar:

NM_181882.3(PRX):c.4152G>A (p.Ala1384=)

Gene: PRX (periaxin; minus strand). Cytogenetic location: 19q13.2.
Variant type: single nucleotide variant.
Coding change: c.4152G>A on transcript NM_181882.3 (MANE Select); coding-DNA position 4152, G replaced by A.
Protein change: p.Ala1384=; no amino-acid change (alanine 1384 retained).
Molecular consequence: synonymous variant. On other transcripts: 3 prime UTR variant (1).
Genome position (GRCh38, 1-based): chr19:40,394,200, C>T on the plus strand (G>A on the coding strand, the complement: PRX is on the minus strand). VCF-style: chr19-40394200-C-T. GRCh37 (hg19) VCF-style: chr19-40900107-C-T.
Other names: c.*4357G>A (NM_020956.2).
Identifiers: ClinVar variation 389318 (VCV000389318.13), dbSNP rs756887163, ClinGen allele CA9443679.

ClinVar aggregate classification (germline): Likely benign. Review status: criteria provided, multiple submitters, no conflicts (2 of 4 stars). 3 submissions from 3 submitters: Likely benign (3). Last evaluated 2025-08-24.

Conditions:
Inborn genetic diseases. Identifiers: MedGen C0950123, MeSH D030342.
Charcot-Marie-Tooth disease type 4. Also called: Charcot-Marie-Tooth disease, type IV; Charcot-Marie-Tooth, Type 4. Identifiers: Orphanet 64749, MedGen C4082197, MONDO:0018995.

Allele frequency attached by ClinVar (database versions not stated): gnomAD exomes 0.00001; ExAC 0.00002; gnomAD 0.00003; TOPMed 0.00003.
gnomAD v4.1: 39 of 1,591,022 alleles (0.0025%); highest among the groups gnomAD compares: Middle Eastern, 0.034%; no homozygotes.

Submissions (3):

Labcorp Genetics (formerly Invitae), Labcorp
Classification: Likely benign for Charcot-Marie-Tooth disease type 4. Last evaluated: 2025-08-24. Review status: criteria provided, single submitter. Criteria: Invitae Variant Classification Sherloc (09022015). Collection method: clinical testing. Allele origin: germline.

Ambry Genetics
Classification: Likely benign for Inborn genetic diseases. Last evaluated: 2019-07-11. Review status: criteria provided, single submitter. Criteria: Ambry Variant Classification Scheme 2023. Collection method: clinical testing. Allele origin: germline.

GeneDx
Classification: Likely benign. Last evaluated: 2016-09-16. Review status: criteria provided, single submitter. Criteria: GeneDx Variant Classification (06012015). Collection method: clinical testing. Allele origin: germline. Affected: yes.
Comment: This variant is considered likely benign or benign based on one or more of the following criteria: it is a conservative change, it occurs at a poorly conserved position in the protein, it is predicted to be benign by multiple in silico algorithms, and/or has population frequency not consistent with disease.